The following is an entry in ClinVar:

NM_000059.4(BRCA2):c.4247A>T (p.Gln1416Leu)

Gene: BRCA2 (BRCA2 DNA repair associated; plus strand). Cytogenetic location: 13q13.1.
Variant type: single nucleotide variant.
Coding change: c.4247A>T on transcript NM_000059.4 (MANE Select); coding-DNA position 4247, A replaced by T.
Protein change: p.Gln1416Leu; replaces glutamine 1416 with leucine.
Molecular consequence: missense variant.
Genome position (GRCh38, 1-based): chr13:32,338,602, A>T. VCF-style: chr13-32338602-A-T. GRCh37 (hg19) VCF-style: chr13-32912739-A-T.
Other names: c.4247A>T, p.Gln1416Leu (NM_001406719.1, NM_001406720.1); short protein forms Q1416L.
Identifiers: ClinVar variation 1739037 (VCV001739037.5), dbSNP rs2072499770, ClinGen allele CA387780420.

ClinVar aggregate classification (germline): Conflicting classifications of pathogenicity. Review status: criteria provided, conflicting classifications (1 of 4 stars). 3 submissions from 3 submitters: Uncertain significance (2); Likely benign (1). Last evaluated 2025-06-09.

Conditions:
Hereditary cancer-predisposing syndrome. Also called: Hereditary Cancer Syndrome; Hereditary neoplastic syndrome; Neoplastic Syndromes, Hereditary; Tumor predisposition. Identifiers: Orphanet 140162, MedGen C0027672, MeSH D009386, MONDO:0015356.
Hereditary breast ovarian cancer syndrome. Also called: Hereditary breast and ovarian cancer syndrome (HBOC); Hereditary breast and ovarian cancer syndrome; Breast and ovarian cancer; Hereditary breast and/or ovarian cancer syndrome; Hereditary breast and ovarian cancer; BRCA1- and BRCA2-Associated Hereditary Breast and Ovarian Cancer. Identifiers: Orphanet 145, MedGen C0677776, MeSH D061325, MONDO:0003582. Disease mechanism: loss of function.

Submissions (3):

Labcorp Genetics (formerly Invitae), Labcorp
Classification: Uncertain significance for Hereditary breast ovarian cancer syndrome. Last evaluated: 2025-06-09. Review status: criteria provided, single submitter. Criteria: Invitae Variant Classification Sherloc (09022015). Collection method: clinical testing. Allele origin: germline.
Comment: This sequence change replaces glutamine, which is neutral and polar, with leucine, which is neutral and non-polar, at codon 1416 of the BRCA2 protein (p.Gln1416Leu). This variant is not present in population databases (gnomAD no frequency). This variant has not been reported in the literature in individuals affected with BRCA2-related conditions. ClinVar contains an entry for this variant (Variation ID: 1739037). Invitae Evidence Modeling of protein sequence and biophysical properties (such as structural, functional, and spatial information, amino acid conservation, physicochemical variation, residue mobility, and thermodynamic stability) indicates that this missense variant is not expected to disrupt BRCA2 protein function with a negative predictive value of 95%. In summary, the available evidence is currently insufficient to determine the role of this variant in disease. Therefore, it has been classified as a Variant of Uncertain Significance.

University of Washington Department of Laboratory Medicine, University of Washington
Classification: Likely benign for Hereditary cancer-predisposing syndrome. Last evaluated: 2023-03-23. Review status: criteria provided, single submitter. Criteria: Dines et al. (Genet Med. 2020). Collection method: curation. Allele origin: germline.
Comment: Missense variant in a coldspot region where missense variants are very unlikely to be pathogenic (PMID:31911673).

BRCA2 exon 11 coldspot. Reclassification based on statistical prior probability.

Ambry Genetics
Classification: Uncertain significance for Hereditary cancer-predisposing syndrome. Last evaluated: 2020-07-23. Review status: criteria provided, single submitter. Criteria: Ambry Variant Classification Scheme 2023. Collection method: clinical testing. Allele origin: germline.
Comment: The p.Q1416L variant (also known as c.4247A>T), located in coding exon 10 of the BRCA2 gene, results from an A to T substitution at nucleotide position 4247. The glutamine at codon 1416 is replaced by leucine, an amino acid with dissimilar properties. This amino acid position is not well conserved in available vertebrate species. In addition, this alteration is predicted to be tolerated by in silico analysis. Since supporting evidence is limited at this time, the clinical significance of this alteration remains unclear.